The following is an entry in ClinVar:

NM_000245.4(MET):c.1101C>A (p.Ile367=)

Gene: MET (MET proto-oncogene, receptor tyrosine kinase; plus strand). Cytogenetic location: 7q31.2.
Variant type: single nucleotide variant.
Coding change: c.1101C>A on transcript NM_000245.4 (MANE Select); coding-DNA position 1101, C replaced by A.
Protein change: p.Ile367=; no amino-acid change (isoleucine 367 retained).
Molecular consequence: synonymous variant. On other transcripts: intron variant (1).
Genome position (GRCh38, 1-based): chr7:116,700,185, C>A. VCF-style: chr7-116700185-C-A. GRCh37 (hg19) VCF-style: chr7-116340239-C-A.
Other names: c.1101C>A, p.Ile367= (NM_001127500.3, NM_001324401.3); c.-91+27608C>A (NM_001324402.2).
Identifiers: ClinVar variation 454177 (VCV000454177.19), dbSNP rs747940150, ClinGen allele CA4448070.
Genomic context (GRCh38, chr7:116,700,185, plus strand): 5'-ACAAAGCAAGCCAGATTCTGCCGAACCAATGGATCGATCTGCCATGTGTGCATTCCCTAT[C>A]AAATATGTCAACGACTTCTTCAACAAGATCGTCAACAAAAACAATGTGAGATGTCTCCAG-3'
Protein context (NP_000236.2, residues 357-377): MDRSAMCAFP[Ile367=]KYVNDFFNKI

ClinVar aggregate classification (germline): Conflicting classifications of pathogenicity. Review status: criteria provided, conflicting classifications (1 of 4 stars). 4 submissions from 4 submitters: Uncertain significance (1); Benign (1); Likely benign (2). Last evaluated 2026-09-01.

Conditions:
Renal cell carcinoma. Identifiers: Orphanet 217071, MedGen C0007134, MeSH D002292, MONDO:0005086, HP:0005584.
Hereditary cancer-predisposing syndrome. Also called: Tumor predisposition; Hereditary Cancer Syndrome; Neoplastic Syndromes, Hereditary; Hereditary neoplastic syndrome. Identifiers: Orphanet 140162, MedGen C0027672, MeSH D009386, MONDO:0015356.
Papillary renal cell carcinoma type 1 (RCCP1). Also called: RENAL CELL CARCINOMA, PAPILLARY, 1, SOMATIC; Renal adenocarcinoma; Renal cell carcinoma 1; Renal cell carcinoma, somatic. Identifiers: Orphanet 47044, MedGen C1336839, OMIM 605074, HP:0011797.

Allele frequency attached by ClinVar (database versions not stated): gnomAD 0.00001; TOPMed 0.00001; ExAC 0.00002; gnomAD exomes 0.00003.
gnomAD v4.1: 13 of 1,592,596 alleles (0.00082%); highest among the groups gnomAD compares: Admixed American, 0.014%; no homozygotes.

Submissions (4):

GeneDx
Classification: Uncertain significance. Last evaluated: 2026-09-01. Review status: criteria provided, single submitter. Criteria: GeneDx Variant Classification Process June 2021. Collection method: clinical testing. Allele origin: germline.
Comment: In silico analysis supports that this variant does not alter splicing; Has not been previously published as pathogenic or benign to our knowledge

Labcorp Genetics (formerly Invitae), Labcorp
Classification: Likely benign for Renal cell carcinoma. Last evaluated: 2026-01-05. Review status: criteria provided, single submitter. Criteria: Invitae Variant Classification Sherloc (09022015). Collection method: clinical testing. Allele origin: germline.

Myriad Genetics, Inc.
Classification: Benign for Papillary renal cell carcinoma type 1. Last evaluated: 2024-11-07. Review status: criteria provided, single submitter. Criteria: Myriad Autosomal Dominant, Autosomal Recessive and X-Linked Classification Criteria (2023). Collection method: clinical testing. Allele origin: unknown.
Comment: This variant is considered benign. This variant is a silent/synonymous amino acid change and it is not expected to impact splicing.

Ambry Genetics
Classification: Likely benign for Hereditary cancer-predisposing syndrome. Last evaluated: 2015-08-04. Review status: criteria provided, single submitter. Criteria: Ambry Variant Classification Scheme 2023. Collection method: clinical testing. Allele origin: germline.